The following is an entry in ClinVar:

NM_177438.3(DICER1):c.3782T>C (p.Met1261Thr)

Gene: DICER1 (dicer 1, ribonuclease III; minus strand). Cytogenetic location: 14q32.13.
Variant type: single nucleotide variant.
Coding change: c.3782T>C on transcript NM_177438.3 (MANE Select); coding-DNA position 3782, T replaced by C.
Protein change: p.Met1261Thr; replaces methionine 1261 with threonine.
Molecular consequence: missense variant. On other transcripts: non-coding transcript variant (6).
Genome position (GRCh38, 1-based): chr14:95,103,614, A>G on the plus strand (T>C on the coding strand, the complement: DICER1 is on the minus strand). VCF-style: chr14-95103614-A-G. GRCh37 (hg19) VCF-style: chr14-95569951-A-G.
Other names: c.3377T>C, p.Met1126Thr (NM_001395688.1, NM_001395689.1, NM_001395690.1 and 2 more transcripts); c.3215T>C, p.Met1072Thr (NM_001395691.1); c.3782T>C, p.Met1261Thr (NM_001395692.1, NM_001395693.1, NM_001395694.1 and 12 more transcripts); c.2099T>C, p.Met700Thr (NM_001395697.1); c.3500T>C, p.Met1167Thr (NM_001395686.1); short protein forms M1261T, M1167T, M1072T, M1126T, M700T.
Identifiers: ClinVar variation 4011682 (VCV004011682.1).

ClinVar aggregate classification (germline): Uncertain significance (1 of 4 stars; one submission).

Conditions:
Hereditary cancer-predisposing syndrome. Also called: Tumor predisposition; Hereditary neoplastic syndrome; Neoplastic Syndromes, Hereditary; Hereditary Cancer Syndrome. Identifiers: Orphanet 140162, MedGen C0027672, MeSH D009386, MONDO:0015356.

Submission:

Ambry Genetics
Classification: Uncertain significance for Hereditary cancer-predisposing syndrome. Last evaluated: 2025-06-01. Review status: criteria provided, single submitter. Criteria: Ambry Variant Classification Scheme 2023. Collection method: clinical testing. Allele origin: germline.
Comment: The p.M1261T variant (also known as c.3782T>C), located in coding exon 20 of the DICER1 gene, results from a T to C substitution at nucleotide position 3782. The methionine at codon 1261 is replaced by threonine, an amino acid with similar properties. This amino acid position is conserved. In addition, this alteration is predicted to be tolerated by in silico analysis. Based on the available evidence, the clinical significance of this variant remains unclear.